The following is an entry in ClinVar:

ClinVar aggregate classification (germline): Likely benign (0 of 4 stars; one submission).

Conditions:
MAG-related disorder. Also called: MAG-related condition.

gnomAD v4.1: 13 of 1,614,014 alleles (0.00081%); highest among the groups gnomAD compares: African/African-American, 0.011%; no homozygotes.

Submission:

PreventionGenetics, part of Exact Sciences
Classification: Likely benign for MAG-related condition. Last evaluated: 2024-04-02. Review status: no assertion criteria provided. Collection method: clinical testing. Allele origin: germline.
Comment: This variant is classified as likely benign based on ACMG/AMP sequence variant interpretation guidelines (Richards et al. 2015 PMID: 25741868, with internal and published modifications).

NM_002361.4(MAG):c.1356C>A (p.Thr452=)

Gene: MAG (myelin associated glycoprotein; plus strand). Cytogenetic location: 19q13.12.
Variant type: single nucleotide variant.
Coding change: c.1356C>A on transcript NM_002361.4 (MANE Select); coding-DNA position 1356, C replaced by A.
Protein change: p.Thr452=; no amino-acid change (threonine 452 retained).
Molecular consequence: synonymous variant.
Genome position (GRCh38, 1-based): chr19:35,309,998, C>A. VCF-style: chr19-35309998-C-A. GRCh37 (hg19) VCF-style: chr19-35800901-C-A.
Other names: c.1281C>A, p.Thr427= (NM_001199216.2); c.1356C>A, p.Thr452= (NM_080600.3).
Identifiers: ClinVar variation 3351022 (VCV003351022.1).
Genomic context (GRCh38, chr19:35,309,998, plus strand): 5'-CGTGGTGAAGTCCAACCCGGAGCCGTCCGTGGCCTTTGAGCTGCCATCGCGCAATGTGAC[C>A]GTGAACGAGAGCGAGCGGGAGTTCGTGTACTCGGAGCGCAGCGGCCTCGTGCTCACCAGC-3'
Protein context (NP_002352.1, residues 442-462): VAFELPSRNV[Thr452=]VNESEREFVY